The following is an entry in ClinVar:

ClinVar aggregate classification (germline): Uncertain significance (1 of 4 stars; one submission).

Submission:

Women's Health and Genetics/Laboratory Corporation of America, LabCorp
Classification: Uncertain significance. Last evaluated: 2025-09-09. Review status: criteria provided, single submitter. Criteria: LabCorp Variant Classification Summary - May 2015. Collection method: clinical testing. Allele origin: germline.
Comment: Variant summary: SLC25A24 c.1031A>G (p.Tyr344Cys) results in a non-conservative amino acid change in the encoded protein sequence. Algorithms developed to predict the effect of missense changes on protein structure and function all suggest that this variant is likely to be disruptive. The variant was absent in 251050 control chromosomes. The available data on variant occurrences in the general population are insufficient to allow any conclusion about variant significance. To our knowledge, no occurrence of c.1031A>G in individuals affected with SLC25A24-related conditions and no experimental evidence demonstrating its impact on protein function have been reported. No submitters have cited clinical-significance assessments for this variant to ClinVar. Based on the evidence outlined above, the variant was classified as uncertain significance.

NM_013386.5(SLC25A24):c.1031A>G (p.Tyr344Cys)

Gene: SLC25A24 (solute carrier family 25 member 24; minus strand). Cytogenetic location: 1p13.3.
Variant type: single nucleotide variant.
Coding change: c.1031A>G on transcript NM_013386.5 (MANE Select); coding-DNA position 1031, A replaced by G.
Protein change: p.Tyr344Cys; replaces tyrosine 344 with cysteine.
Molecular consequence: missense variant.
Genome position (GRCh38, 1-based): chr1:108,143,610, T>C on the plus strand (A>G on the coding strand, the complement: SLC25A24 is on the minus strand). VCF-style: chr1-108143610-T-C. GRCh37 (hg19) VCF-style: chr1-108686232-T-C.
Other names: c.974A>G, p.Tyr325Cys (NM_213651.3); short protein forms Y325C, Y344C.
Identifiers: ClinVar variation 4535657 (VCV004535657.1).
Genomic context (GRCh38, chr1:108,143,610, plus strand): 5'-ACAGCAAGATCTATGCCTGCATAAGGTATGATACCTAATAAATTGGGAACATAGCCTTTG[T>C]AAAAAGCTCCCAAGCCTTCATGTTTCAAAATCTTCTTGGCACAATCATATATTCCAGAGT-3'
Protein context (NP_037518.3, residues 334-354): ILKHEGLGAF[Tyr344Cys]KGYVPNLLGI